The following is an entry in ClinVar:

NM_001386140.1(MTTP):c.1729G>A (p.Ala577Thr)

Gene: MTTP (microsomal triglyceride transfer protein; plus strand). Cytogenetic location: 4q23.
Variant type: single nucleotide variant.
Coding change: c.1729G>A on transcript NM_001386140.1 (MANE Select); coding-DNA position 1729, G replaced by A.
Protein change: p.Ala577Thr; replaces alanine 577 with threonine.
Molecular consequence: missense variant.
Genome position (GRCh38, 1-based): chr4:99,608,937, G>A. VCF-style: chr4-99608937-G-A. GRCh37 (hg19) VCF-style: chr4-100530094-G-A.
Other names: c.1729G>A, p.Ala577Thr (NM_000253.4); c.1480G>A, p.Ala494Thr (NM_001300785.2); c.1729G>A (NM_000253.2); short protein forms A494T, A577T.
Identifiers: ClinVar variation 989814 (VCV000989814.4), dbSNP rs1368249156, ClinGen allele CA357513320.

ClinVar aggregate classification (germline): Uncertain significance. Review status: criteria provided, multiple submitters, no conflicts (2 of 4 stars). 3 submissions from 3 submitters: Uncertain significance (2). 1 of the submissions does not count toward it. Last evaluated 2023-05-04.

Conditions:
Inborn genetic diseases. Identifiers: MedGen C0950123, MeSH D030342.
Abetalipoproteinaemia (ABL). Also called: MTP DEFICIENCY; Abetalipoproteinemia; Abetalipoproteinemia neuropathy; Apolipoprotein B deficiency; Congenital betalipoprotein deficiency syndrome. Identifiers: Orphanet 14, MedGen C0000744, MONDO:0008692, OMIM 200100, HP:0008181.

gnomAD v4.1: 12 of 1,614,056 alleles (0.00074%); highest among the groups gnomAD compares: Non-Finnish European, 0.00051%; no homozygotes.

Submissions (3):

Ambry Genetics
Classification: Uncertain significance for Inborn genetic diseases. Last evaluated: 2023-05-04. Review status: criteria provided, single submitter. Criteria: Ambry Variant Classification Scheme 2023. Collection method: clinical testing. Allele origin: germline.

Labcorp Genetics (formerly Invitae), Labcorp
Classification: Uncertain significance. Last evaluated: 2022-03-01. Review status: criteria provided, single submitter. Criteria: Invitae Variant Classification Sherloc (09022015). Collection method: clinical testing. Allele origin: germline.
Comment: This sequence change replaces alanine, which is neutral and non-polar, with threonine, which is neutral and polar, at codon 577 of the MTTP protein (p.Ala577Thr). This variant is not present in population databases (gnomAD no frequency). This variant has not been reported in the literature in individuals affected with MTTP-related conditions. ClinVar contains an entry for this variant (Variation ID: 989814). Algorithms developed to predict the effect of missense changes on protein structure and function output the following: SIFT: "Tolerated"; PolyPhen-2: "Benign"; Align-GVGD: "Class C0". The threonine amino acid residue is found in multiple mammalian species, which suggests that this missense change does not adversely affect protein function. In summary, the available evidence is currently insufficient to determine the role of this variant in disease. Therefore, it has been classified as a Variant of Uncertain Significance.

Natera, Inc.
Classification: Uncertain significance for Abetalipoproteinemia. Last evaluated: 2020-08-14. Review status: no assertion criteria provided. Collection method: clinical testing. Allele origin: germline. Not counted in ClinVar's aggregate classification.